The following is an entry in ClinVar:

ClinVar aggregate classification (germline): Likely benign (1 of 4 stars; one submission).

Conditions:
ARID1A-related disorder. Also called: ARID1A-related condition.

gnomAD v4.1: 39 of 1,614,242 alleles (0.0024%); highest among the groups gnomAD compares: East Asian, 0.0067%; no homozygotes.

Submission:

PreventionGenetics, part of Exact Sciences
Classification: Likely benign for ARID1A-related condition. Last evaluated: 2024-10-13. Review status: criteria provided, single submitter. Criteria: ACMG Guidelines, 2015. Collection method: clinical testing. Allele origin: germline.
Comment: This variant is classified as likely benign based on ACMG/AMP sequence variant interpretation guidelines (Richards et al. 2015 PMID: 25741868, with internal and published modifications).

NM_006015.6(ARID1A):c.1150A>G (p.Met384Val)

Gene: ARID1A (AT-rich interaction domain 1A; plus strand). Cytogenetic location: 1p36.11.
Variant type: single nucleotide variant.
Coding change: c.1150A>G on transcript NM_006015.6 (MANE Select); coding-DNA position 1150, A replaced by G.
Protein change: p.Met384Val; replaces methionine 384 with valine.
Molecular consequence: missense variant.
Genome position (GRCh38, 1-based): chr1:26,729,663, A>G. VCF-style: chr1-26729663-A-G. GRCh37 (hg19) VCF-style: chr1-27056154-A-G.
Other names: c.1150A>G, p.Met384Val (NM_139135.4); short protein forms M384V.
Identifiers: ClinVar variation 4989848 (VCV004989848.1).